The following is an entry in ClinVar:

ClinVar aggregate classification (germline): Conflicting classifications of pathogenicity. Review status: criteria provided, conflicting classifications (1 of 4 stars). 6 submissions from 6 submitters: Uncertain significance (5); Likely benign (1). Last evaluated 2026-01-11.

Conditions:
Cardiovascular phenotype. Identifiers: MedGen CN230736.
Catecholaminergic polymorphic ventricular tachycardia 5 (CARDAR). Also called: Ventricular tachycardia, catecholaminergic polymorphic, 5, with or without muscle weakness; CARDIAC ARRHYTHMIA SYNDROME, WITH OR WITHOUT SKELETAL MUSCLE WEAKNESS. Identifiers: Orphanet 3286, MedGen C3809536, MONDO:0014191, OMIM 615441.
Catecholaminergic polymorphic ventricular tachycardia 1. Also called: VENTRICULAR TACHYCARDIA, STRESS-INDUCED POLYMORPHIC 1; RYR2-Related Catecholaminergic Polymorphic Ventricular Tachycardia; VENTRICULAR TACHYCARDIA, CATECHOLAMINERGIC POLYMORPHIC, 1, WITH OR WITHOUT ATRIAL DYSFUNCTION AND/OR DILATED CARDIOMYOPATHY. Identifiers: Orphanet 3286, MedGen C1631597, MONDO:0011484, OMIM 604772.

Allele frequency attached by ClinVar (database versions not stated): gnomAD exomes 0.00003 and 0.00011; ExAC 0.00016; 1000 Genomes Project 0.00040; gnomAD 0.00040 and 0.00041; TOPMed 0.00040; 1000 Genomes Project 30x 0.00047; ESP Exome Variant Server 0.00052.
gnomAD v4.1: 107 of 1,507,656 alleles (0.0071%); highest among the groups gnomAD compares: African/African-American, 0.14%; no homozygotes.

Submissions (6):

Labcorp Genetics (formerly Invitae), Labcorp
Classification: Uncertain significance for Catecholaminergic polymorphic ventricular tachycardia 1. Last evaluated: 2026-01-11. Review status: criteria provided, single submitter. Criteria: Invitae Variant Classification Sherloc (09022015). Collection method: clinical testing. Allele origin: germline.
Comment: This sequence change replaces glutamic acid, which is acidic and polar, with valine, which is neutral and non-polar, at codon 398 of the TRDN protein (p.Glu398Val). This variant is present in population databases (rs374355537, gnomAD 0.2%). This missense change has been observed in individual(s) with dilated cardiomyopathy (PMID: 32746448). ClinVar contains an entry for this variant (Variation ID: 229347). Invitae Evidence Modeling of protein sequence and biophysical properties (such as structural, functional, and spatial information, amino acid conservation, physicochemical variation, residue mobility, and thermodynamic stability) indicates that this missense variant is not expected to disrupt TRDN protein function with a negative predictive value of 80%. In summary, the available evidence is currently insufficient to determine the role of this variant in disease. Therefore, it has been classified as a Variant of Uncertain Significance.

GeneDx
Classification: Uncertain significance. Last evaluated: 2025-05-21. Review status: criteria provided, single submitter. Criteria: GeneDx Variant Classification Process June 2021. Collection method: clinical testing. Allele origin: germline. Affected: yes.
Comment: Identified in a patient with cardiomyopathy in published literature who harbored additional cardiogenetic variants (PMID: 32746448); In silico analysis suggests that this missense variant does not alter protein structure/function; In silico analysis is inconclusive as to whether the variant alters gene splicing. In the absence of RNA/functional studies, the actual effect of this sequence change is unknown.; This variant is associated with the following publications: (PMID: 32746448)

Ambry Genetics
Classification: Likely benign for Cardiovascular phenotype. Last evaluated: 2022-03-21. Review status: criteria provided, single submitter. Criteria: Ambry Variant Classification Scheme 2023. Collection method: clinical testing. Allele origin: germline.

Fulgent Genetics
Classification: Uncertain significance for Catecholaminergic polymorphic ventricular tachycardia 1; Catecholaminergic polymorphic ventricular tachycardia 5. Last evaluated: 2021-10-08. Review status: criteria provided, single submitter. Criteria: ACMG Guidelines, 2015. Collection method: clinical testing. Allele origin: unknown.

Mayo Clinic Laboratories, Mayo Clinic
Classification: Uncertain significance. Last evaluated: 2021-08-16. Review status: criteria provided, single submitter. Criteria: ACMG Guidelines, 2015. Collection method: clinical testing. Allele origin: germline.

Laboratory for Molecular Medicine, Mass General Brigham Personalized Medicine
Classification: Uncertain significance. Last evaluated: 2015-05-19. Review status: criteria provided, single submitter. Criteria: LMM Criteria. Collection method: clinical testing. Allele origin: germline. Observed: 1 variant allele.
Comment: Variant classified as Uncertain Significance - Favor Benign. The p.Glu398Val var iant in TRDN as not been previously reported in individuals with cardiomyopathy, but has been identified in 0.2% (5/3170) of African chromosomes by the Exome Ag gregation Consortium (ExAC; dbSNP rs374355537). Computational prediction tools and conservation analysis suggest that this varia nt may impact the protein, though this information is not predictive enough to d etermine pathogenicity. In summary, while the clinical significance of the p.Glu 398Val variant is uncertain, its frequency suggests that it is more likely to be benign.

Literature cited by the submitters: PubMed 32746448 (cited by Labcorp Genetics (formerly Invitae), Labcorp and Ambry Genetics).

NM_006073.4(TRDN):c.1193A>T (p.Glu398Val)

Gene: TRDN (triadin; minus strand). Cytogenetic location: 6q22.31.
Variant type: single nucleotide variant.
Coding change: c.1193A>T on transcript NM_006073.4 (MANE Select); coding-DNA position 1193, A replaced by T.
Protein change: p.Glu398Val; replaces glutamic acid 398 with valine.
Molecular consequence: missense variant.
Genome position (GRCh38, 1-based): chr6:123,377,892, T>A on the plus strand (A>T on the coding strand, the complement: TRDN is on the minus strand). VCF-style: chr6-123377892-T-A. GRCh37 (hg19) VCF-style: chr6-123699037-T-A.
Other names: c.1196A>T, p.Glu399Val (NM_001251987.2); short protein forms E398V, E399V.
Identifiers: ClinVar variation 229347 (VCV000229347.25), dbSNP rs374355537, ClinGen allele CA3984078.